The following is an entry in ClinVar:

NM_001381902.1(SAGE1):c.2463G>A (p.Lys821=)

Gene: SAGE1 (sarcoma antigen 1; plus strand). Cytogenetic location: Xq26.3.
Variant type: single nucleotide variant.
Coding change: c.2463G>A on transcript NM_001381902.1 (MANE Select); coding-DNA position 2463, G replaced by A.
Protein change: p.Lys821=; no amino-acid change (lysine 821 retained).
Molecular consequence: synonymous variant.
Genome position (GRCh38, 1-based): chrX:135,911,895, G>A. VCF-style: chrX-135911895-G-A. GRCh37 (hg19) VCF-style: chrX-134994054-G-A.
Other names: c.2463G>A, p.Lys821= (NM_018666.3).
Identifiers: ClinVar variation 3056670 (VCV003056670.2), dbSNP rs4829584, ClinGen allele CA10524401.

ClinVar aggregate classification (germline): Benign (0 of 4 stars; one submission).

Conditions:
SAGE1-related disorder. Also called: SAGE1-related condition.

Allele frequency attached by ClinVar (database versions not stated): 1000 Genomes Project 0.09881; 1000 Genomes Project 30x 0.09990; ESP Exome Variant Server 0.13492; TOPMed 0.13782; gnomAD 0.14097; ExAC 0.15654.
gnomAD v4.1: 211,730 of 1,207,745 alleles (18%); highest among the groups gnomAD compares: Admixed American, 19%; 13,693 homozygotes.

Submission:

PreventionGenetics, part of Exact Sciences
Classification: Benign for SAGE1-related condition. Last evaluated: 2019-10-23. Review status: no assertion criteria provided. Collection method: clinical testing. Allele origin: germline.
Comment: This variant is classified as benign based on ACMG/AMP sequence variant interpretation guidelines (Richards et al. 2015 PMID: 25741868, with internal and published modifications).